The following is an entry in ClinVar:

NM_003001.5(SDHC):c.*12T>A

Gene: SDHC (succinate dehydrogenase complex subunit C; plus strand). Cytogenetic location: 1q23.3.
Variant type: single nucleotide variant.
Coding change: c.*12T>A on transcript NM_003001.5 (MANE Select); 12 bases downstream of the stop codon, T replaced by A.
Molecular consequence: 3 prime UTR variant. On other transcripts: missense variant (3), non-coding transcript variant (1).
Genome position (GRCh38, 1-based): chr1:161,362,445, T>A. VCF-style: chr1-161362445-T-A. GRCh37 (hg19) VCF-style: chr1-161332235-T-A.
Other names: c.358T>A, p.Ser120Thr (NM_001035511.3); c.*12T>A (NM_001035512.3, NM_001035513.3, NM_001407115.1 and 5 more transcripts); c.256T>A, p.Ser86Thr (NM_001278172.3); c.301T>A, p.Ser101Thr (NM_001407121.1); short protein forms S120T, S86T, S101T.
Identifiers: ClinVar variation 5029301 (VCV005029301.1).

ClinVar aggregate classification (germline): Uncertain significance (1 of 4 stars; one submission).

Conditions:
Hereditary cancer-predisposing syndrome. Also called: Neoplastic Syndromes, Hereditary; Tumor predisposition; Hereditary neoplastic syndrome; Hereditary Cancer Syndrome. Identifiers: Orphanet 140162, MedGen C0027672, MeSH D009386, MONDO:0015356.

gnomAD v4.1: 19 of 1,612,888 alleles (0.0012%); highest among the groups gnomAD compares: African/African-American, 0.021%; no homozygotes.

Submission:

Ambry Genetics
Classification: Uncertain significance for Hereditary cancer-predisposing syndrome. Last evaluated: 2026-07-02. Review status: criteria provided, single submitter. Criteria: Ambry Variant Classification Scheme 2023. Collection method: clinical testing. Allele origin: germline.
Comment: The p.S120T variant (also known as c.358T>A), located in coding exon 5 of the SDHC gene, results from a T to A substitution at nucleotide position 358. The serine at codon 120 is replaced by threonine, an amino acid with similar properties. This amino acid position is conserved. In addition, the in silico prediction for this alteration is inconclusive. Based on the available evidence, the clinical significance of this variant remains unclear.